The following is an entry in ClinVar:

ClinVar aggregate classification (germline): Conflicting classifications of pathogenicity. Review status: criteria provided, conflicting classifications (1 of 4 stars). 10 submissions from 10 submitters: Uncertain significance (1); Benign (3); Likely benign (5). 1 of the submissions does not count toward it. Last evaluated 2025-12-15.

Conditions:
TSC1-related disorder. Also called: TSC1-related condition.
Hereditary cancer-predisposing syndrome. Also called: Neoplastic Syndromes, Hereditary; Hereditary Cancer Syndrome; Tumor predisposition; Hereditary neoplastic syndrome. Identifiers: Orphanet 140162, MedGen C0027672, MeSH D009386, MONDO:0015356.
Isolated focal cortical dysplasia type II (FCORD2). Also called: Focal cortical dysplasia type II; CORTICAL DYSPLASIA OF TAYLOR. Identifiers: Orphanet 268994, MedGen C1846385, MONDO:0011818, OMIM 607341, HP:0032051.
Lymphangiomyomatosis (LAM). Also called: Lymphangioleiomyomatosis, somatic; Lymphangioleiomyomatosis. Identifiers: Orphanet 538, MedGen C0751674, MONDO:0011705, OMIM 606690.
Tuberous sclerosis 1 (TSC1). Identifiers: Orphanet 805, MedGen C1854465, MONDO:0008612, OMIM 191100.
Tuberous sclerosis syndrome (TSC). Also called: Tuberous Sclerosis Complex; Tuberous sclerosis. Identifiers: Orphanet 805, MedGen C0041341, MONDO:0001734.

Allele frequency attached by ClinVar (database versions not stated): TOPMed 0.00008; gnomAD 0.00009 and 0.00010.
gnomAD v4.1: 38 of 1,613,892 alleles (0.0024%); highest among the groups gnomAD compares: African/African-American, 0.023%; no homozygotes.

Submissions (10):

Labcorp Genetics (formerly Invitae), Labcorp
Classification: Benign for Tuberous sclerosis 1. Last evaluated: 2025-12-15. Review status: criteria provided, single submitter. Criteria: Invitae Variant Classification Sherloc (09022015). Collection method: clinical testing. Allele origin: germline.

Blueprint Genetics
Classification: Likely benign. Last evaluated: 2024-08-21. Review status: criteria provided, single submitter. Criteria: ACMG Guidelines, 2015. Collection method: clinical testing. Allele origin: germline.

Myriad Genetics, Inc.
Classification: Benign for Tuberous sclerosis 1. Last evaluated: 2024-07-18. Review status: criteria provided, single submitter. Criteria: Myriad Autosomal Dominant, Autosomal Recessive and X-Linked Classification Criteria (2023). Collection method: clinical testing. Allele origin: unknown.
Comment: This variant is considered benign. Homozygosity has been confirmed in one or more individuals. As homozygosity for pathogenic variants in this gene is generally assumed to result in embryonic lethality, this variant is unlikely to be pathogenic. This variant has been observed at a population frequency that is significantly greater than expected given the associated disease prevalence and penetrance.

Color Diagnostics, LLC DBA Color Health
Classification: Uncertain significance for Tuberous sclerosis syndrome. Last evaluated: 2023-11-22. Review status: criteria provided, single submitter. Criteria: ACMG Guidelines, 2015. Collection method: clinical testing. Allele origin: germline.
Comment: This missense variant replaces alanine with valine at codon 808 of the TSC1 protein. Computational prediction suggests that this variant may not impact protein structure and function. To our knowledge, functional studies have not been reported for this variant. This variant has not been reported in individuals affected with TSC1-related disorders in the literature. This variant has been identified in 15/282678 chromosomes in the general population by the Genome Aggregation Database (gnomAD). The available evidence is insufficient to determine the role of this variant in disease conclusively. Therefore, this variant is classified as a Variant of Uncertain Significance.

Genome-Nilou Lab
Classification: Benign for Tuberous sclerosis 1. Last evaluated: 2021-11-07. Review status: criteria provided, single submitter. Criteria: ACMG Guidelines, 2015. Collection method: clinical testing. Allele origin: germline. Affected: no.

Sema4
Classification: Likely benign for Hereditary cancer-predisposing syndrome. Last evaluated: 2021-10-19. Review status: criteria provided, single submitter. Criteria: Sema4 Curation Guidelines. Collection method: curation. Allele origin: germline.

Fulgent Genetics
Classification: Likely benign for Tuberous sclerosis 1; Lymphangiomyomatosis; Isolated focal cortical dysplasia type II. Last evaluated: 2021-07-17. Review status: criteria provided, single submitter. Criteria: ACMG Guidelines, 2015. Collection method: clinical testing. Allele origin: unknown.

Ambry Genetics
Classification: Likely benign for Hereditary cancer-predisposing syndrome. Last evaluated: 2019-10-24. Review status: criteria provided, single submitter. Criteria: Ambry Variant Classification Scheme 2023. Collection method: clinical testing. Allele origin: germline.

GeneDx
Classification: Likely benign. Last evaluated: 2019-09-18. Review status: criteria provided, single submitter. Criteria: GeneDx Variant Classification Process June 2021. Collection method: clinical testing. Allele origin: germline. Affected: yes.

PreventionGenetics, part of Exact Sciences
Classification: Likely benign for TSC1-related condition. Last evaluated: 2023-06-01. Review status: no assertion criteria provided. Collection method: clinical testing. Allele origin: germline. Not counted in ClinVar's aggregate classification.
Comment: This variant is classified as likely benign based on ACMG/AMP sequence variant interpretation guidelines (Richards et al. 2015 PMID: 25741868, with internal and published modifications).

NM_000368.5(TSC1):c.2423C>T (p.Ala808Val)

Gene: TSC1 (TSC complex subunit 1; minus strand). Cytogenetic location: 9q34.13.
Variant type: single nucleotide variant.
Coding change: c.2423C>T on transcript NM_000368.5 (MANE Select); coding-DNA position 2423, C replaced by T.
Protein change: p.Ala808Val; replaces alanine 808 with valine.
Molecular consequence: missense variant.
Genome position (GRCh38, 1-based): chr9:132,901,668, G>A on the plus strand (C>T on the coding strand, the complement: TSC1 is on the minus strand). VCF-style: chr9-132901668-G-A. GRCh37 (hg19) VCF-style: chr9-135777055-G-A.
Other names: c.2420C>T, p.Ala807Val (NM_001162426.2); c.2270C>T, p.Ala757Val (NM_001162427.2); c.2060C>T, p.Ala687Val (NM_001362177.2); short protein forms A808V, A687V, A757V, A807V.
Identifiers: ClinVar variation 237709 (VCV000237709.27), dbSNP rs756514375, ClinGen allele CA032629.